The following is an entry in ClinVar:

ClinVar aggregate classification (germline): Uncertain significance (1 of 4 stars; one submission).

Conditions:
Hereditary cancer-predisposing syndrome. Also called: Neoplastic Syndromes, Hereditary; Tumor predisposition; Hereditary Cancer Syndrome; Hereditary neoplastic syndrome. Identifiers: Orphanet 140162, MedGen C0027672, MeSH D009386, MONDO:0015356.

Submission:

Ambry Genetics
Classification: Uncertain significance for Hereditary cancer-predisposing syndrome. Last evaluated: 2026-05-20. Review status: criteria provided, single submitter. Criteria: Ambry Variant Classification Scheme 2023. Collection method: clinical testing. Allele origin: germline.
Comment: The c.3040-2A>C intronic variant results from an A to C substitution two nucleotides upstream from coding exon 19 in the RET gene. This variant occurs at the 3' terminus of the gene, is not expected to trigger nonsense-mediated mRNA decay, and only impacts the last 9% of the protein. The exact functional effect of this variant is unknown. This nucleotide position is highly conserved in available vertebrate species. In silico splice site analysis predicts that this alteration will weaken the native splice acceptor site. Based on the available evidence, the clinical significance of this variant remains unclear.

NM_020975.6(RET):c.3040-2A>C

Gene: RET (ret proto-oncogene; plus strand). Cytogenetic location: 10q11.21.
Variant type: single nucleotide variant.
Coding change: c.3040-2A>C on transcript NM_020975.6 (MANE Select); the canonical splice acceptor site of the intron before coding-DNA position 3040, A replaced by C.
Molecular consequence: splice acceptor variant.
Genome position (GRCh38, 1-based): chr10:43,126,573, A>C. VCF-style: chr10-43126573-A-C. GRCh37 (hg19) VCF-style: chr10-43622021-A-C.
Other names: c.3040-2A>C (NM_020630.7, NM_001406743.1, NM_001406744.1 and 2 more transcripts); c.2905-2A>C (NM_001406765.1, NM_001406763.1); c.2644-2A>C (NM_001406772.1, NM_001406769.1); c.2602-2A>C (NM_001406773.1, NM_001406771.1); c.2143-2A>C (NM_001406782.1, NM_001406780.1, NM_001406779.1 and 1 more transcripts); c.2008-2A>C (NM_001406787.1); c.2023-2A>C (NM_001406785.1); c.2911-2A>C (NM_001406764.1, NM_001406762.1, NM_001406761.1); and 10 more.
Identifiers: ClinVar variation 4863272 (VCV004863272.1).